The following is an entry in ClinVar:

NC_000010.11:g.133568400C>T

Gene: SYCE1 (synaptonemal complex central element protein 1; minus strand). Cytogenetic location: 10q26.3.
Variant type: single nucleotide variant.
Genome position: GRCh38 VCF-style: chr10-133568400-C-T. GRCh37 (hg19) VCF-style: chr10-135381904-C-T.
Identifiers: ClinVar variation 2641034 (VCV002641034.24), dbSNP rs143906240, ClinGen allele CA216861030.

ClinVar aggregate classification (germline): Benign (1 of 4 stars; one submission).

Allele frequency attached by ClinVar (database versions not stated): 1000 Genomes Project 0.00439; 1000 Genomes Project 30x 0.00453; TOPMed 0.00722; gnomAD 0.00814; gnomAD exomes 0.00843.

Submission:

CeGaT Center for Human Genetics Tuebingen
Classification: Benign. Last evaluated: 2026-09-01. Review status: criteria provided, single submitter. Criteria: CeGaT Center For Human Genetics Tuebingen Variant Classification Criteria Version 2. Collection method: clinical testing. Allele origin: germline. Affected: yes. Observed: 5 variant alleles.
Comment: SYCE1: BS1, BS2